The following is an entry in ClinVar:

NM_000069.3(CACNA1S):c.2526C>T (p.Val842=)

Gene: CACNA1S (calcium voltage-gated channel subunit alpha1 S; minus strand). Cytogenetic location: 1q32.1.
Variant type: single nucleotide variant.
Coding change: c.2526C>T on transcript NM_000069.3 (MANE Select); coding-DNA position 2526, C replaced by T.
Protein change: p.Val842=; no amino-acid change (valine 842 retained).
Molecular consequence: synonymous variant.
Genome position (GRCh38, 1-based): chr1:201,069,161, G>A on the plus strand (C>T on the coding strand, the complement: CACNA1S is on the minus strand). VCF-style: chr1-201069161-G-A. GRCh37 (hg19) VCF-style: chr1-201038289-G-A.
Identifiers: ClinVar variation 2639745 (VCV002639745.24), dbSNP rs1661358867, ClinGen allele CA422687447.

ClinVar aggregate classification (germline): Likely benign (1 of 4 stars; one submission).

Allele frequency attached by ClinVar (database versions not stated): gnomAD exomes below 0.00001.
gnomAD v4.1: 1 of 1,614,192 alleles (0.000062%); highest among the groups gnomAD compares: Non-Finnish European, 0.000085%; no homozygotes.

Submission:

CeGaT Center for Human Genetics Tuebingen
Classification: Likely benign. Last evaluated: 2023-01-01. Review status: criteria provided, single submitter. Criteria: CeGaT Center For Human Genetics Tuebingen Variant Classification Criteria Version 2. Collection method: clinical testing. Allele origin: germline. Affected: yes. Observed: 1 variant allele.
Comment: CACNA1S: PM2:Supporting, BP4, BP7